The following is an entry in ClinVar:

NM_006096.4(NDRG1):c.1027C>T (p.Arg343Cys)

Gene: NDRG1 (N-myc downstream regulated 1; minus strand). Cytogenetic location: 8q24.22.
Variant type: single nucleotide variant.
Coding change: c.1027C>T on transcript NM_006096.4 (MANE Select); coding-DNA position 1027, C replaced by T.
Protein change: p.Arg343Cys; replaces arginine 343 with cysteine.
Molecular consequence: missense variant.
Genome position (GRCh38, 1-based): chr8:133,239,036, G>A on the plus strand (C>T on the coding strand, the complement: NDRG1 is on the minus strand). VCF-style: chr8-133239036-G-A. GRCh37 (hg19) VCF-style: chr8-134251279-G-A.
Other names: p.Arg343Cys; c.1027C>T, p.Arg343Cys (NM_001135242.2, NM_001374845.1, NM_001374846.1); c.829C>T, p.Arg277Cys (NM_001258432.2, NM_001374847.1); c.784C>T, p.Arg262Cys (NM_001258433.2); c.1078C>T, p.Arg360Cys (NM_001374844.1); short protein forms R343C, R262C, R277C, R360C.
Identifiers: ClinVar variation 362031 (VCV000362031.26), dbSNP rs146613168, ClinGen allele CA4886442.

ClinVar aggregate classification (germline): Uncertain significance. Review status: criteria provided, multiple submitters, no conflicts (2 of 4 stars). 8 submissions from 8 submitters: Uncertain significance (7). 1 of the submissions does not count toward it. Last evaluated 2026-08-05.

Conditions:
Charcot-Marie-Tooth disease type 4D. Also called: Charcot-Marie-Tooth Neuropathy Type 4D; CHARCOT-MARIE-TOOTH DISEASE, DEMYELINATING, AUTOSOMAL RECESSIVE, TYPE 4D; CHARCOT-MARIE-TOOTH DISEASE, DEMYELINATING, TYPE 4D; NEUROPATHY, HEREDITARY MOTOR AND SENSORY, LOM TYPE. Identifiers: Orphanet 99950, MedGen C1832334, MONDO:0011085, OMIM 601455.
Inborn genetic diseases. Identifiers: MedGen C0950123, MeSH D030342.
Charcot-Marie-Tooth disease type 4. Also called: Charcot-Marie-Tooth disease, type IV; Charcot-Marie-Tooth, Type 4. Identifiers: Orphanet 64749, MedGen C4082197, MONDO:0018995.

Allele frequency attached by ClinVar (database versions not stated): 1000 Genomes Project 30x 0.00016; TOPMed 0.00017; gnomAD 0.00018 and 0.00019; 1000 Genomes Project 0.00020; ESP Exome Variant Server 0.00023; ExAC 0.00032.
gnomAD v4.1: 199 of 1,596,878 alleles (0.012%); highest among the groups gnomAD compares: Admixed American, 0.019%; no homozygotes.

Submissions (8):

GeneDx
Classification: Uncertain significance. Last evaluated: 2026-08-05. Review status: criteria provided, single submitter. Criteria: GeneDx Variant Classification Process June 2021. Collection method: clinical testing. Allele origin: germline.
Comment: In silico analysis supports that this missense variant has a deleterious effect on protein structure/function; Observed in cohort of families with adolescent idiopathic scoliosis; however, additional clinical information unavailable (PMID: 41073408); This variant is associated with the following publications: (PMID: 41073408)

Blueprint Genetics
Classification: Uncertain significance. Last evaluated: 2024-10-21. Review status: criteria provided, single submitter. Criteria: ACMG Guidelines, 2015. Collection method: clinical testing. Allele origin: germline.

Ambry Genetics
Classification: Uncertain significance for Inborn genetic diseases. Last evaluated: 2022-12-15. Review status: criteria provided, single submitter. Criteria: Ambry Variant Classification Scheme 2023. Collection method: clinical testing. Allele origin: germline.

Labcorp Genetics (formerly Invitae), Labcorp
Classification: Uncertain significance for Charcot-Marie-Tooth disease type 4. Last evaluated: 2022-10-01. Review status: criteria provided, single submitter. Criteria: Invitae Variant Classification Sherloc (09022015). Collection method: clinical testing. Allele origin: germline.
Comment: This sequence change replaces arginine, which is basic and polar, with cysteine, which is neutral and slightly polar, at codon 343 of the NDRG1 protein (p.Arg343Cys). This variant is present in population databases (rs146613168, gnomAD 0.02%). This variant has not been reported in the literature in individuals affected with NDRG1-related conditions. ClinVar contains an entry for this variant (Variation ID: 362031). Advanced modeling of protein sequence and biophysical properties (such as structural, functional, and spatial information, amino acid conservation, physicochemical variation, residue mobility, and thermodynamic stability) performed at Invitae indicates that this missense variant is expected to disrupt NDRG1 protein function. In summary, the available evidence is currently insufficient to determine the role of this variant in disease. Therefore, it has been classified as a Variant of Uncertain Significance.

Mayo Clinic Laboratories, Mayo Clinic
Classification: Uncertain significance. Last evaluated: 2022-05-05. Review status: criteria provided, single submitter. Criteria: ACMG Guidelines, 2015. Collection method: clinical testing. Allele origin: germline. Observed: 5 variant alleles.

ARUP Laboratories, Molecular Genetics and Genomics, ARUP Laboratories
Classification: Uncertain significance for Charcot-Marie-Tooth disease type 4D. Last evaluated: 2021-04-23. Review status: criteria provided, single submitter. Criteria: ARUP Molecular Germline Variant Investigation Process 2021. Collection method: clinical testing. Allele origin: germline.
Comment: The NDRG1 c.1027C>T, p.Arg343Cys variant (rs146613168), to our knowledge, has not been reported in the medical literature; however, this variant is listed in the ClinVar database (Variation ID: 362031). This variant is found in the general population with an overall allele frequency of 0.015% (36/246,612 alleles) in the Genome Aggregation Database. The arginine at codon 343 is highly conserved, but computational analyses are uncertain whether this variant is neutral or deleterious (REVEL: 0.249). Based on the available information, the clinical significance of this variant is uncertain.

Illumina Laboratory Services, Illumina
Classification: Uncertain significance for Charcot-Marie-Tooth disease type 4D. Last evaluated: 2018-01-13. Review status: criteria provided, single submitter. Criteria: ICSL Variant Classification Criteria 13 December 2019. Collection method: clinical testing. Allele origin: germline.

Natera, Inc.
Classification: Uncertain significance for Charcot-Marie-Tooth disease type 4. Last evaluated: 2019-12-17. Review status: no assertion criteria provided. Collection method: clinical testing. Allele origin: germline. Not counted in ClinVar's aggregate classification.